The following is an entry in ClinVar:

ClinVar aggregate classification (germline): Uncertain significance. Review status: criteria provided, multiple submitters, no conflicts (2 of 4 stars). 3 submissions from 3 submitters: Uncertain significance (3). Last evaluated 2025-12-03.

Allele frequency attached by ClinVar (database versions not stated): ExAC 0.00008; gnomAD exomes 0.00010; gnomAD 0.00016 and 0.00017; TOPMed 0.00016; 1000 Genomes Project 0.00020; ESP Exome Variant Server 0.00023; 1000 Genomes Project 30x 0.00031.

Submissions (3):

Labcorp Genetics (formerly Invitae), Labcorp
Classification: Uncertain significance. Last evaluated: 2025-12-03. Review status: criteria provided, single submitter. Criteria: Invitae Variant Classification Sherloc (09022015). Collection method: clinical testing. Allele origin: germline.
Comment: This sequence change replaces cysteine, which is neutral and slightly polar, with serine, which is neutral and polar, at codon 289 of the ZNF513 protein (p.Cys289Ser). This variant is present in population databases (rs139631194, gnomAD 0.02%). This variant has not been reported in the literature in individuals affected with ZNF513-related conditions. ClinVar contains an entry for this variant (Variation ID: 498458). An algorithm developed to predict the effect of missense changes on protein structure and function (PolyPhen-2) suggests that this variant is likely to be tolerated. In summary, the available evidence is currently insufficient to determine the role of this variant in disease. Therefore, it has been classified as a Variant of Uncertain Significance.

Blueprint Genetics
Classification: Uncertain significance. Last evaluated: 2024-10-14. Review status: criteria provided, single submitter. Criteria: ACMG Guidelines, 2015. Collection method: clinical testing. Allele origin: germline.

Eurofins Ntd Llc (ga)
Classification: Uncertain significance. Last evaluated: 2016-12-01. Review status: criteria provided, single submitter. Criteria: EGL Classification Definitions 2015. Collection method: clinical testing. Allele origin: germline. Observed: 1 variant allele, 1 heterozygote.

NM_144631.6(ZNF513):c.866G>C (p.Cys289Ser)

Gene: ZNF513 (zinc finger protein 513; minus strand). Cytogenetic location: 2p23.3.
Variant type: single nucleotide variant.
Coding change: c.866G>C on transcript NM_144631.6 (MANE Select); coding-DNA position 866, G replaced by C.
Protein change: p.Cys289Ser; replaces cysteine 289 with serine.
Molecular consequence: missense variant.
Genome position (GRCh38, 1-based): chr2:27,378,305, C>G on the plus strand (G>C on the coding strand, the complement: ZNF513 is on the minus strand). VCF-style: chr2-27378305-C-G. GRCh37 (hg19) VCF-style: chr2-27601172-C-G.
Other names: c.680G>C, p.Cys227Ser (NM_001201459.2); short protein forms C289S, C227S.
Identifiers: ClinVar variation 498458 (VCV000498458.13), dbSNP rs139631194, ClinGen allele CA1577918.